The following is an entry in ClinVar:

NM_001482.3(GATM):c.76C>G (p.Arg26Gly)

Gene: GATM (glycine amidinotransferase; minus strand). Cytogenetic location: 15q21.1.
Variant type: single nucleotide variant.
Coding change: c.76C>G on transcript NM_001482.3 (MANE Select); coding-DNA position 76, C replaced by G.
Protein change: p.Arg26Gly; replaces arginine 26 with glycine.
Molecular consequence: missense variant. On other transcripts: 5 prime UTR variant (1).
Genome position (GRCh38, 1-based): chr15:45,376,813, G>C on the plus strand (C>G on the coding strand, the complement: GATM is on the minus strand). VCF-style: chr15-45376813-G-C. GRCh37 (hg19) VCF-style: chr15-45669011-G-C.
Other names: c.-312C>G (NM_001321015.2); short protein forms R26G.
Identifiers: ClinVar variation 1320890 (VCV001320890.10), dbSNP rs1032267288, ClinGen allele CA270173273.
Genomic context (GRCh38, chr15:45,376,813, plus strand): 5'-AGGAAGCCGTAGCTGCCTGGGTGCTCTGGAAAGTTCGCTGCACCCATCCTGTCAAGGTTC[G>C]TCCAAGCTTCCAAGAACAAAGAAAAGATTATTGTATTGCATTGCTCTATCAGTACTTACA-3'
Protein context (NP_001473.1, residues 16-36): AVHYIGSRLG[Arg26Gly]TLTGWVQRTF

ClinVar aggregate classification (germline): Uncertain significance. Review status: criteria provided, multiple submitters, no conflicts (2 of 4 stars). 3 submissions from 3 submitters: Uncertain significance (3). Last evaluated 2024-10-25.

Conditions:
Arginine:glycine amidinotransferase deficiency (CCDS3). Also called: AGAT deficiency; L-Arginine:Glycine Amidinotransferase Deficiency; L-Arginine:Glycine Amidinotransferase (AGAT) Deficiency; Cerebral creatine deficiency syndrome 3; Creatine deficiency syndrome due to AGAT deficiency; GATM deficiency. Identifiers: Orphanet 35704, MedGen C2675179, MONDO:0012996, OMIM 612718.
Fanconi renotubular syndrome 1. Also called: FRTS1; LUDER-SHELDON SYNDROME; Toni-Debre-Fanconi syndrome; Neonatal De Toni-Debre-Fanconi syndrome; De Toni-Fanconi syndrome. Identifiers: MedGen C4551503, MONDO:0024525, OMIM 134600.

Allele frequency attached by ClinVar (database versions not stated): gnomAD exomes below 0.00001 and 0.00001; gnomAD 0.00001; TOPMed 0.00001.
gnomAD v4.1: 24 of 1,613,406 alleles (0.0015%); highest among the groups gnomAD compares: Middle Eastern, 0.016%; no homozygotes.

Submissions (3):

Labcorp Genetics (formerly Invitae), Labcorp
Classification: Uncertain significance for Arginine:glycine amidinotransferase deficiency. Last evaluated: 2024-10-25. Review status: criteria provided, single submitter. Criteria: Invitae Variant Classification Sherloc (09022015). Collection method: clinical testing. Allele origin: germline.
Comment: This sequence change replaces arginine, which is basic and polar, with glycine, which is neutral and non-polar, at codon 26 of the GATM protein (p.Arg26Gly). The frequency data for this variant in the population databases is considered unreliable, as metrics indicate poor data quality at this position in the gnomAD database. This variant has not been reported in the literature in individuals affected with GATM-related conditions. ClinVar contains an entry for this variant (Variation ID: 1320890). An algorithm developed to predict the effect of missense changes on protein structure and function outputs the following: PolyPhen-2: "Benign". The glycine amino acid residue is found in multiple mammalian species, which suggests that this missense change does not adversely affect protein function. In summary, the available evidence is currently insufficient to determine the role of this variant in disease. Therefore, it has been classified as a Variant of Uncertain Significance.

GeneDx
Classification: Uncertain significance. Last evaluated: 2024-10-01. Review status: criteria provided, single submitter. Criteria: GeneDx Variant Classification Process June 2021. Collection method: clinical testing. Allele origin: germline. Affected: yes.
Comment: Not observed at significant frequency in large population cohorts (gnomAD); In silico analysis indicates that this missense variant does not alter protein structure/function; Has not been previously published as pathogenic or benign to our knowledge

Fulgent Genetics
Classification: Uncertain significance for Fanconi renotubular syndrome 1; Arginine:glycine amidinotransferase deficiency. Last evaluated: 2022-03-30. Review status: criteria provided, single submitter. Criteria: ACMG Guidelines, 2015. Collection method: clinical testing. Allele origin: unknown.